The following is an entry in ClinVar:

NM_022041.4(GAN):c.*235T>C

Gene: GAN (gigaxonin; plus strand). Cytogenetic location: 16q23.2.
Variant type: single nucleotide variant.
Coding change: c.*235T>C on transcript NM_022041.4 (MANE Select); 235 bases downstream of the stop codon, T replaced by C.
Molecular consequence: 3 prime UTR variant.
Genome position (GRCh38, 1-based): chr16:81,377,831, T>C. VCF-style: chr16-81377831-T-C. GRCh37 (hg19) VCF-style: chr16-81411436-T-C.
Other names: c.*235T>C (NM_001377486.1).
Identifiers: ClinVar variation 320667 (VCV000320667.8), dbSNP rs16955203, ClinGen allele CA10649022.

ClinVar aggregate classification (germline): Benign. Review status: criteria provided, multiple submitters, no conflicts (2 of 4 stars). 3 submissions from 3 submitters: Benign (3). Last evaluated 2018-06-28.

Conditions:
Giant axonal neuropathy 1 (GAN1). Also called: GAN-Related Neurodegeneration; GIANT AXONAL NEUROPATHY 1, AUTOSOMAL RECESSIVE. Identifiers: Orphanet 643, MedGen C1850386, MONDO:0009749, OMIM 256850.

Allele frequency attached by ClinVar (database versions not stated): gnomAD exomes 0.05681; gnomAD 0.09324 and 0.09343; TOPMed 0.09651; 1000 Genomes Project 30x 0.13616; 1000 Genomes Project 0.13698.
gnomAD v4.1: 38,306 of 576,372 alleles (6.6%); highest among the groups gnomAD compares: East Asian, 20%; 2,440 homozygotes.

Submissions (3):

GeneDx
Classification: Benign. Last evaluated: 2018-06-28. Review status: criteria provided, single submitter. Criteria: GeneDx Variant Classification Process June 2021. Collection method: clinical testing. Allele origin: germline. Affected: yes.

Illumina Laboratory Services, Illumina
Classification: Benign for Giant axonal neuropathy 1. Last evaluated: 2018-01-13. Review status: criteria provided, single submitter. Criteria: ICSL Variant Classification Criteria 13 December 2019. Collection method: clinical testing. Allele origin: germline.
Comment: This variant was observed in the ICSL laboratory as part of a predisposition screen in an ostensibly healthy population. It had not been previously curated by ICSL or reported in the Human Gene Mutation Database (HGMD: prior to June 1st, 2018), and was therefore a candidate for classification through an automated scoring system. Utilizing variant allele frequency, disease prevalence and penetrance estimates, and inheritance mode, an automated score was calculated to assess if this variant is too frequent to cause the disease. Based on the score and internal cut-off values, a variant classified as benign is not then subjected to further curation. The score for this variant resulted in a classification of benign for this disease.

Breakthrough Genomics
Classification: Benign. Review status: criteria provided, single submitter. Criteria: ACMG Guidelines, 2015. Collection method: not provided. Allele origin: germline. Inheritance: Autosomal recessive inheritance. Affected: yes.